The following is an entry in ClinVar:

ClinVar aggregate classification (germline): Uncertain significance (1 of 4 stars; one submission).

Conditions:
Hawkinsinuria. Identifiers: Orphanet 2118, MedGen C2931042, MONDO:0007700, OMIM 140350, HP:0034457.
Tyrosinemia type III. Also called: Tyrosinemia type 3; 4-alpha hydroxyphenylpyruvic acid oxidase deficiency; 4-alpha hydroxyphenylpyruvate dioxygenase deficiency; 4-Hydroxyphenylpyruvate dioxygenase deficiency; 4-HYDROXYPHENYLPYRUVIC ACID OXIDASE DEFICIENCY. Identifiers: Orphanet 69723, MedGen C0268623, MONDO:0010162, OMIM 276710.

Allele frequency attached by ClinVar (database versions not stated): gnomAD 0.00001; TOPMed 0.00001.
gnomAD v4.1: 14 of 1,613,994 alleles (0.00087%); highest among the groups gnomAD compares: African/African-American, 0.0027%; no homozygotes.

Submission:

Labcorp Genetics (formerly Invitae), Labcorp
Classification: Uncertain significance for Tyrosinemia type III; Hawkinsinuria. Last evaluated: 2022-10-05. Review status: criteria provided, single submitter. Criteria: Invitae Variant Classification Sherloc (09022015). Collection method: clinical testing. Allele origin: germline.
Comment: This sequence change replaces arginine, which is basic and polar, with glutamine, which is neutral and polar, at codon 300 of the HPD protein (p.Arg300Gln). This variant is not present in population databases (gnomAD no frequency). This variant has not been reported in the literature in individuals affected with HPD-related conditions. Advanced modeling of protein sequence and biophysical properties (such as structural, functional, and spatial information, amino acid conservation, physicochemical variation, residue mobility, and thermodynamic stability) performed at Invitae indicates that this missense variant is not expected to disrupt HPD protein function. Algorithms developed to predict the effect of sequence changes on RNA splicing suggest that this variant may create or strengthen a splice site. In summary, the available evidence is currently insufficient to determine the role of this variant in disease. Therefore, it has been classified as a Variant of Uncertain Significance.

NM_002150.3(HPD):c.899G>A (p.Arg300Gln)

Genes: HPD (4-hydroxyphenylpyruvate dioxygenase; minus strand), TIALD (transcript inducer of AURKA lysosomal degradation; plus strand). Cytogenetic location: 12q24.31.
Variant type: single nucleotide variant.
Coding change: c.899G>A on transcript NM_002150.3 (MANE Select); coding-DNA position 899, G replaced by A.
Protein change: p.Arg300Gln; replaces arginine 300 with glutamine.
Molecular consequence: missense variant.
Genome position (GRCh38, 1-based): chr12:121,843,765, C>T on the plus strand (G>A on the coding strand, the complement: HPD is on the minus strand). VCF-style: chr12-121843765-C-T. GRCh37 (hg19) VCF-style: chr12-122281671-C-T.
Other names: c.782G>A, p.Arg261Gln (NM_001171993.2); short protein forms R261Q, R300Q.
Identifiers: ClinVar variation 2166189 (VCV002166189.1), dbSNP rs1476534141, ClinGen allele CA387010700.
Genomic context (GRCh38, chr12:121,843,765, plus strand): 5'-CTCACCTCCAGGGCATCAATGTTCTCCTTCACCTTGATCTTGGCCGTCTTCAGCTTCTCC[C>T]GCAGTTGTTTGTAGTACGTGGAGGGAACAGATAAGAACTCCAGGCCTCTCTCTCTCAAGT-3'
Protein context (NP_002141.2, residues 290-310): SVPSTYYKQL[Arg300Gln]EKLKTAKIKV